The following is an entry in ClinVar:

NM_181523.3(PIK3R1):c.428-6T>C

Gene: PIK3R1 (phosphoinositide-3-kinase regulatory subunit 1; plus strand). Cytogenetic location: 5q13.1.
Variant type: single nucleotide variant.
Coding change: c.428-6T>C on transcript NM_181523.3 (MANE Select); 6 bases into the intron before coding-DNA position 428, T replaced by C.
Molecular consequence: intron variant.
Genome position (GRCh38, 1-based): chr5:68,273,933, T>C. VCF-style: chr5-68273933-T-C. GRCh37 (hg19) VCF-style: chr5-67569761-T-C.
Identifiers: ClinVar variation 1106030 (VCV001106030.37), dbSNP rs1746468268, ClinGen allele CA1553391695.

ClinVar aggregate classification (germline): Conflicting classifications of pathogenicity. Review status: criteria provided, conflicting classifications (1 of 4 stars). 2 submissions from 2 submitters: Uncertain significance (1); Likely benign (1). Last evaluated 2023-01-01.

Conditions:
SHORT syndrome. Also called: SHORT STATURE, HYPEREXTENSIBILITY, HERNIA, OCULAR DEPRESSION, RIEGER ANOMALY, AND TEETHING DELAY; LIPODYSTROPHY, PARTIAL, WITH RIEGER ANOMALY AND SHORT STATURE; PIK3R1-Related SHORT Syndrome. Identifiers: Orphanet 3163, MedGen C0878684, MONDO:0010026, OMIM 269880.
Immunodeficiency 36 with lymphoproliferation. Also called: ACTIVATED PI3K-DELTA SYNDROME 2; Immunodeficiency 36; Activated PI3K Delta Syndrome Type 2 (APDS2). Identifiers: Orphanet 397596, Orphanet 693681, MedGen C4014934, MONDO:0014453, OMIM 616005.
Agammaglobulinemia 7, autosomal recessive (AGM7). Also called: AGAMMAGLOBULINEMIA, AUTOSOMAL RECESSIVE, DUE TO PIK3R1 DEFECT. Identifiers: MedGen C3554689, MONDO:0014083, OMIM 615214.

Allele frequency attached by ClinVar (database versions not stated): gnomAD exomes below 0.00001; TOPMed below 0.00001.
gnomAD v4.1: 3 of 1,612,148 alleles (0.00019%); highest among the groups gnomAD compares: Non-Finnish European, 0.00025%; no homozygotes.

Submissions (2):

CeGaT Center for Human Genetics Tuebingen
Classification: Uncertain significance. Last evaluated: 2023-01-01. Review status: criteria provided, single submitter. Criteria: CeGaT Center For Human Genetics Tuebingen Variant Classification Criteria Version 2. Collection method: clinical testing. Allele origin: germline. Affected: yes. Observed: 1 variant allele.
Comment: PIK3R1: PM2, BP4

Labcorp Genetics (formerly Invitae), Labcorp
Classification: Likely benign for SHORT syndrome; Immunodeficiency 36 with lymphoproliferation; Agammaglobulinemia 7, autosomal recessive. Last evaluated: 2019-03-21. Review status: criteria provided, single submitter. Criteria: Invitae Variant Classification Sherloc (09022015). Collection method: clinical testing. Allele origin: germline.